The following is an entry in ClinVar:

ClinVar aggregate classification (germline): Uncertain significance (1 of 4 stars; one submission).

Conditions:
Hereditary cancer-predisposing syndrome. Also called: Tumor predisposition; Hereditary Cancer Syndrome; Hereditary neoplastic syndrome; Neoplastic Syndromes, Hereditary. Identifiers: Orphanet 140162, MedGen C0027672, MeSH D009386, MONDO:0015356.

Submission:

Ambry Genetics
Classification: Uncertain significance for Hereditary cancer-predisposing syndrome. Last evaluated: 2025-11-25. Review status: criteria provided, single submitter. Criteria: Ambry Variant Classification Scheme 2023. Collection method: clinical testing. Allele origin: germline.
Comment: The p.G113A variant (also known as c.338G>C), located in coding exon 1 of the ALK gene, results from a G to C substitution at nucleotide position 338. The glycine at codon 113 is replaced by alanine, an amino acid with similar properties. This amino acid position is conserved. In addition, this alteration is predicted to be tolerated by in silico analysis. Based on the available evidence, the clinical significance of this variant remains unclear.

NM_004304.5(ALK):c.338G>C (p.Gly113Ala)

Gene: ALK (ALK receptor tyrosine kinase; minus strand). Cytogenetic location: 2p23.1.
Variant type: single nucleotide variant.
Coding change: c.338G>C on transcript NM_004304.5 (MANE Select); coding-DNA position 338, G replaced by C.
Protein change: p.Gly113Ala; replaces glycine 113 with alanine.
Molecular consequence: missense variant.
Genome position (GRCh38, 1-based): chr2:29,920,322, C>G on the plus strand (G>C on the coding strand, the complement: ALK is on the minus strand). VCF-style: chr2-29920322-C-G. GRCh37 (hg19) VCF-style: chr2-30143188-C-G.
Other names: short protein forms G113A.
Identifiers: ClinVar variation 4542735 (VCV004542735.1).